The following is an entry in ClinVar:

NM_032043.3(BRIP1):c.1891T>A (p.Phe631Ile)

Gene: BRIP1 (BRCA1 interacting DNA helicase 1; minus strand). Cytogenetic location: 17q23.2.
Variant type: single nucleotide variant.
Coding change: c.1891T>A on transcript NM_032043.3 (MANE Select); coding-DNA position 1891, T replaced by A.
Protein change: p.Phe631Ile; replaces phenylalanine 631 with isoleucine.
Molecular consequence: missense variant.
Genome position (GRCh38, 1-based): chr17:61,780,305, A>T on the plus strand (T>A on the coding strand, the complement: BRIP1 is on the minus strand). VCF-style: chr17-61780305-A-T. GRCh37 (hg19) VCF-style: chr17-59857666-A-T.
Other names: short protein forms F631I.
Identifiers: ClinVar variation 820288 (VCV000820288.5), dbSNP rs1603333116, ClinGen allele CA400479325.

ClinVar aggregate classification (germline): Uncertain significance. Review status: criteria provided, multiple submitters, no conflicts (2 of 4 stars). 2 submissions from 2 submitters: Uncertain significance (2). Last evaluated 2025-08-30.

Conditions:
Familial cancer of breast. Also called: Hereditary breast cancer; hereditary breast carcinoma; BREAST CANCER, FAMILIAL. Identifiers: Orphanet 227535, MedGen C0346153, MONDO:0016419, OMIM 114480. Disease mechanism: loss of function.
Fanconi anemia complementation group J. Also called: BRIP1-Related Fanconi Anemia. Identifiers: Orphanet 84, MedGen C1836860, MONDO:0012187, OMIM 609054.
Hereditary cancer-predisposing syndrome. Also called: Hereditary Cancer Syndrome; Neoplastic Syndromes, Hereditary; Hereditary neoplastic syndrome; Tumor predisposition. Identifiers: Orphanet 140162, MedGen C0027672, MeSH D009386, MONDO:0015356.

Submissions (2):

Labcorp Genetics (formerly Invitae), Labcorp
Classification: Uncertain significance for Familial cancer of breast; Fanconi anemia complementation group J. Last evaluated: 2025-08-30. Review status: criteria provided, single submitter. Criteria: Invitae Variant Classification Sherloc (09022015). Collection method: clinical testing. Allele origin: germline.
Comment: This sequence change replaces phenylalanine, which is neutral and non-polar, with isoleucine, which is neutral and non-polar, at codon 631 of the BRIP1 protein (p.Phe631Ile). This variant is not present in population databases (gnomAD no frequency). This variant has not been reported in the literature in individuals affected with BRIP1-related conditions. ClinVar contains an entry for this variant (Variation ID: 820288). Invitae Evidence Modeling of protein sequence and biophysical properties (such as structural, functional, and spatial information, amino acid conservation, physicochemical variation, residue mobility, and thermodynamic stability) indicates that this missense variant is expected to disrupt BRIP1 protein function with a positive predictive value of 95%. In summary, the available evidence is currently insufficient to determine the role of this variant in disease. Therefore, it has been classified as a Variant of Uncertain Significance.

Ambry Genetics
Classification: Uncertain significance for Hereditary cancer-predisposing syndrome. Last evaluated: 2018-10-31. Review status: criteria provided, single submitter. Criteria: Ambry Variant Classification Scheme 2023. Collection method: clinical testing. Allele origin: germline.
Comment: The p.F631I variant (also known as c.1891T>A), located in coding exon 12 of the BRIP1 gene, results from a T to A substitution at nucleotide position 1891. The phenylalanine at codon 631 is replaced by isoleucine, an amino acid with highly similar properties. This amino acid position is well conserved in available vertebrate species. In addition, the in silico prediction for this alteration is inconclusive. Since supporting evidence is limited at this time, the clinical significance of this alteration remains unclear.